The following is an entry in ClinVar:

ClinVar aggregate classification (germline): Uncertain significance (0 of 4 stars; one submission).

Conditions:
Atypical hemolytic-uremic syndrome. Identifiers: Orphanet 2134, MedGen C2931788, MONDO:0016244.

Allele frequency attached by ClinVar (database versions not stated): gnomAD exomes below 0.00001; gnomAD 0.00001.

Submission:

Sydney Genome Diagnostics, Children's Hospital Westmead
Classification: Uncertain significance for Atypical hemolytic-uremic syndrome. Last evaluated: 2018-10-25. Review status: no assertion criteria provided. Collection method: clinical testing. Allele origin: unknown. Affected: yes. Observed: 1 variant allele, 1 heterozygote.
Comment: To our knowledge, this variant has not been previously reported in the literature and no frequency data is available. In silico analysis (Alamut Visual v2.4) is inconclusive regarding this variant PolyPhen2 and MutationTaster predicts to be benign whereas SIFT, Align GVGD and KD4v predicts to be pathogenic. Alamut v2.4 also predicts this variant does not affect splicing.

NM_030787.4(CFHR5):c.707A>G (p.Asp236Gly)

Gene: CFHR5 (complement factor H related 5; plus strand). Cytogenetic location: 1q31.3.
Variant type: single nucleotide variant.
Coding change: c.707A>G on transcript NM_030787.4 (MANE Select); coding-DNA position 707, A replaced by G.
Protein change: p.Asp236Gly; replaces aspartic acid 236 with glycine.
Molecular consequence: missense variant.
Genome position (GRCh38, 1-based): chr1:196,995,816, A>G. VCF-style: chr1-196995816-A-G. GRCh37 (hg19) VCF-style: chr1-196964946-A-G.
Other names: short protein forms D236G.
Identifiers: ClinVar variation 988222 (VCV000988222.1), dbSNP rs1283689984, ClinGen allele CA344004883.